The following is an entry in ClinVar:

ClinVar aggregate classification (germline): Uncertain significance. Review status: criteria provided, multiple submitters, no conflicts (2 of 4 stars). 7 submissions from 5 submitters: Uncertain significance (6). 1 of the submissions does not count toward it. Last evaluated 2025-07-10.

Conditions:
Autosomal dominant nonsyndromic hearing loss 11. Identifiers: Orphanet 90635, MedGen C1832475, MONDO:0011032, OMIM 601317.
Autosomal recessive nonsyndromic hearing loss 2. Also called: NEUROSENSORY NONSYNDROMIC RECESSIVE DEAFNESS 2; DEAFNESS, AUTOSOMAL RECESSIVE 2. Identifiers: Orphanet 90636, MedGen C1838701, MONDO:0010807, OMIM 600060.
Usher syndrome type 1 (USH1). Also called: RETINITIS PIGMENTOSA AND CONGENITAL DEAFNESS. Identifiers: Orphanet 231169, Orphanet 886, MedGen C1568247, MONDO:0010168, OMIM 276900.
Usher syndrome type 1B (USH1B). Also called: Usher syndrome type IB. Identifiers: MedGen C1848638, MONDO:0700087.

Allele frequency attached by ClinVar (database versions not stated): ExAC 0.00002; gnomAD 0.00003 and 0.00004; gnomAD exomes 0.00003; TOPMed 0.00005.
gnomAD v4.1: 62 of 1,593,686 alleles (0.0039%); highest among the groups gnomAD compares: Non-Finnish European, 0.005%; no homozygotes.

Submissions (7):

Labcorp Genetics (formerly Invitae), Labcorp
Classification: Uncertain significance. Last evaluated: 2025-07-10. Review status: criteria provided, single submitter. Criteria: Invitae Variant Classification Sherloc (09022015). Collection method: clinical testing. Allele origin: germline.
Comment: This sequence change replaces aspartic acid, which is acidic and polar, with glutamic acid, which is acidic and polar, at codon 75 of the MYO7A protein (p.Asp75Glu). This variant is present in population databases (rs782757893, gnomAD 0.007%). This variant has not been reported in the literature in individuals affected with MYO7A-related conditions. ClinVar contains an entry for this variant (Variation ID: 306156). Invitae Evidence Modeling of protein sequence and biophysical properties (such as structural, functional, and spatial information, amino acid conservation, physicochemical variation, residue mobility, and thermodynamic stability) indicates that this missense variant is not expected to disrupt MYO7A protein function with a negative predictive value of 95%. In summary, the available evidence is currently insufficient to determine the role of this variant in disease. Therefore, it has been classified as a Variant of Uncertain Significance.

Blueprint Genetics
Classification: Uncertain significance. Last evaluated: 2024-11-23. Review status: criteria provided, single submitter. Criteria: ACMG Guidelines, 2015. Collection method: clinical testing. Allele origin: germline.

Fulgent Genetics
Classification: Uncertain significance for Usher syndrome type 1; Autosomal recessive nonsyndromic hearing loss 2; Autosomal dominant nonsyndromic hearing loss 11. Last evaluated: 2021-07-06. Review status: criteria provided, single submitter. Criteria: ACMG Guidelines, 2015. Collection method: clinical testing. Allele origin: unknown.

Illumina Laboratory Services, Illumina
Classification: Uncertain significance for Autosomal recessive nonsyndromic hearing loss 2. Last evaluated: 2018-01-12. Review status: criteria provided, single submitter. Criteria: ICSL Variant Classification Criteria 13 December 2019. Collection method: clinical testing. Allele origin: germline.

Illumina Laboratory Services, Illumina
Classification: Uncertain significance for Usher syndrome type 1. Last evaluated: 2018-01-12. Review status: criteria provided, single submitter. Criteria: ICSL Variant Classification Criteria 13 December 2019. Collection method: clinical testing. Allele origin: germline.

Illumina Laboratory Services, Illumina
Classification: Uncertain significance for Autosomal dominant nonsyndromic hearing loss 11. Last evaluated: 2018-01-12. Review status: criteria provided, single submitter. Criteria: ICSL Variant Classification Criteria 13 December 2019. Collection method: clinical testing. Allele origin: germline.

Natera, Inc.
Classification: Uncertain significance for Usher syndrome type 1B. Last evaluated: 2020-04-16. Review status: no assertion criteria provided. Collection method: clinical testing. Allele origin: germline. Not counted in ClinVar's aggregate classification.

NM_000260.4(MYO7A):c.225C>A (p.Asp75Glu)

Gene: MYO7A (myosin VIIA; plus strand). Cytogenetic location: 11q13.5.
Variant type: single nucleotide variant.
Coding change: c.225C>A on transcript NM_000260.4 (MANE Select); coding-DNA position 225, C replaced by A.
Protein change: p.Asp75Glu; replaces aspartic acid 75 with glutamic acid.
Molecular consequence: missense variant.
Genome position (GRCh38, 1-based): chr11:77,147,890, C>A. VCF-style: chr11-77147890-C-A. GRCh37 (hg19) VCF-style: chr11-76858936-C-A.
Other names: c.225C>A, p.Asp75Glu (NM_001127180.2); c.192C>A, p.Asp64Glu (NM_001369365.1); short protein forms D75E, D64E.
Identifiers: ClinVar variation 306156 (VCV000306156.10), dbSNP rs782757893, ClinGen allele CA6197073.